The following is an entry in ClinVar:

ClinVar aggregate classification (germline): Conflicting classifications of pathogenicity. Review status: criteria provided, conflicting classifications (1 of 4 stars). 4 submissions from 4 submitters: Uncertain significance (1); Likely benign (3). Last evaluated 2025-02-01.

Conditions:
Inborn genetic diseases. Identifiers: MedGen C0950123, MeSH D030342.
Dyskeratosis congenita. Identifiers: Orphanet 1775, MedGen C0265965, MONDO:0015780.
Dyskeratosis congenita, autosomal recessive 5 (DKCB5). Identifiers: MedGen C3554656, MONDO:0014076, OMIM 615190.
Pulmonary fibrosis and/or bone marrow failure, Telomere-related, 3. Also called: PULMONARY FIBROSIS AND/OR BONE MARROW FAILURE SYNDROME, TELOMERE-RELATED, 3. Identifiers: Orphanet 2032, MedGen C4225346, MONDO:0014613, OMIM 616373.

gnomAD v4.1: 17 of 1,612,212 alleles (0.0011%); highest among the groups gnomAD compares: African/African-American, 0.004%; no homozygotes.

Submissions (4):

CeGaT Center for Human Genetics Tuebingen
Classification: Likely benign. Last evaluated: 2025-02-01. Review status: criteria provided, single submitter. Criteria: CeGaT Center For Human Genetics Tuebingen Variant Classification Criteria Version 2. Collection method: clinical testing. Allele origin: germline. Affected: yes. Observed: 1 variant allele.
Comment: RTEL1: BP4, BP7

Ambry Genetics
Classification: Likely benign for Inborn genetic diseases. Last evaluated: 2024-11-28. Review status: criteria provided, single submitter. Criteria: Ambry Variant Classification Scheme 2023. Collection method: clinical testing. Allele origin: germline.

Labcorp Genetics (formerly Invitae), Labcorp
Classification: Likely benign for Dyskeratosis congenita, autosomal recessive 5; Pulmonary fibrosis and/or bone marrow failure, Telomere-related, 3. Last evaluated: 2024-08-20. Review status: criteria provided, single submitter. Criteria: Invitae Variant Classification Sherloc (09022015). Collection method: clinical testing. Allele origin: germline.

Sema4
Classification: Uncertain significance for Dyskeratosis congenita. Last evaluated: 2021-12-17. Review status: criteria provided, single submitter. Criteria: Sema4 Curation Guidelines. Collection method: curation. Allele origin: germline.
Comment: The RTEL1 c.2169A>G(p.Q723=) variant, also known as c.2241A>G (p.Q747=) (NM_032957.5), has not been reported in the literature to our knowledge. This variant was not observed in 249514 chromosomes tested in the worldwide population according to the Genome Aggregation Database (PMID: 32461654). This variant has been reported in ClinVar (Variation ID 1158462). The nucleotide is weakly conserved. In silico tools that predict the effect of sequence changes on splicing suggest that this variant may not impact splicing, though these predictions have not been confirmed by functional studies. The overall evidence is insufficient to meet ACMG/AMP criteria for classifying it as benign or pathogenic. In summary, the clinical significance of this variant is currently uncertain.

NM_001283009.2(RTEL1):c.2169A>G (p.Gln723=)

Genes: RTEL1 (regulator of telomere elongation helicase 1; plus strand), RTEL1-TNFRSF6B (RTEL1-TNFRSF6B readthrough (NMD candidate); plus strand). Cytogenetic location: 20q13.33.
Variant type: single nucleotide variant.
Coding change: c.2169A>G on transcript NM_001283009.2 (MANE Select); coding-DNA position 2169, A replaced by G.
Protein change: p.Gln723=; no amino-acid change (glutamine 723 retained).
Molecular consequence: synonymous variant. On other transcripts: non-coding transcript variant (1).
Genome position (GRCh38, 1-based): chr20:63,690,114, A>G. VCF-style: chr20-63690114-A-G. GRCh37 (hg19) VCF-style: chr20-62321467-A-G.
Other names: c.1500A>G, p.Gln500= (NM_001283010.1); c.2169A>G, p.Gln723= (NM_016434.4); c.2241A>G, p.Gln747= (NM_032957.5).
Identifiers: ClinVar variation 1158462 (VCV001158462.24), dbSNP rs1224602711, ClinGen allele CA511661091.